The following is an entry in ClinVar:

ClinVar aggregate classification (germline): Conflicting classifications of pathogenicity. Review status: criteria provided, conflicting classifications (1 of 4 stars). 14 submissions from 11 submitters: Uncertain significance (2); Benign (5); Likely benign (6). 1 of the submissions does not count toward it. Last evaluated 2026-06-01.

Conditions:
COL1A1-related disorder. Also called: COL1A1- related disease; COL1A1-related condition.
Cardiovascular phenotype. Identifiers: MedGen CN230736.
Ehlers-Danlos syndrome (EDS). Identifiers: Orphanet 98249, MedGen C0013720, MONDO:0020066.
Ehlers-Danlos syndrome, arthrochalasia type. Also called: Ehlers-Danlos syndrome, arthrochalasis type; ARTHROCHALASIS MULTIPLEX CONGENITA; EDS VII, MUTANT PROCOLLAGEN TYPE; EDS VIIA; Ehlers-Danlos syndrome, arthrochalasia type, 1. Identifiers: Orphanet 1899, Orphanet 99875, Orphanet 99876, MedGen C4551623, MONDO:0007525, OMIM 130060.
Osteogenesis imperfecta (OI). Identifiers: Orphanet 666, MedGen C0029434, MeSH D010013, MONDO:0019019.
Infantile cortical hyperostosis. Also called: P1PK BLOOD GROUP SYSTEM, P(2) PHENOTYPE; Hyperostosis, Cortical, Congenital; Caffey Disease. Identifiers: Orphanet 1310, MedGen C0020497, MONDO:0007244, OMIM 114000.
Osteogenesis imperfecta type I (OI1). Also called: Classic Non-deforming Osteogenesis Imperfecta with Blue Sclerae; OI, TYPE I; OSTEOGENESIS IMPERFECTA TARDA; OSTEOGENESIS IMPERFECTA WITH BLUE SCLERAE; Lobstein disease; Osteogenesis imperfecta type 1. Identifiers: Orphanet 216796, Orphanet 666, MedGen C0023931, MONDO:0008146, OMIM 166200. Disease mechanism: loss of function.

Allele frequency attached by ClinVar (database versions not stated): 1000 Genomes Project 30x 0.00016; gnomAD 0.00016 and 0.00031; TOPMed 0.00019; 1000 Genomes Project 0.00020; ESP Exome Variant Server 0.00023; gnomAD exomes 0.00059; ExAC 0.00130.
gnomAD v4.1: 583 of 1,595,500 alleles (0.037%); highest among the groups gnomAD compares: Middle Eastern, 1.2%; 11 homozygotes.

Submissions (14):

CeGaT Center for Human Genetics Tuebingen
Classification: Likely benign. Last evaluated: 2026-06-01. Review status: criteria provided, single submitter. Criteria: CeGaT Center For Human Genetics Tuebingen Variant Classification Criteria Version 2. Collection method: clinical testing. Allele origin: germline. Affected: yes. Observed: 5 variant alleles.
Comment: COL1A1: BP4, BS1

Women's Health and Genetics/Laboratory Corporation of America, LabCorp
Classification: Benign. Last evaluated: 2026-05-11. Review status: criteria provided, single submitter. Criteria: LabCorp Variant Classification Summary - May 2015. Collection method: clinical testing. Allele origin: germline.

Labcorp Genetics (formerly Invitae), Labcorp
Classification: Benign for Osteogenesis imperfecta type I. Last evaluated: 2026-01-17. Review status: criteria provided, single submitter. Criteria: Invitae Variant Classification Sherloc (09022015). Collection method: clinical testing. Allele origin: germline.

Mayo Clinic Laboratories, Mayo Clinic
Classification: Benign. Last evaluated: 2025-08-19. Review status: criteria provided, single submitter. Criteria: ACMG Guidelines, 2015. Collection method: clinical testing. Allele origin: germline. Observed: 4 variant alleles.
Comment: BS1, BS2, BP4, BP7

Blueprint Genetics
Classification: Likely benign. Last evaluated: 2024-11-12. Review status: criteria provided, single submitter. Criteria: ACMG Guidelines, 2015. Collection method: clinical testing. Allele origin: germline.

Genome Diagnostics Laboratory, The Hospital for Sick Children
Classification: Likely benign for Ehlers-Danlos syndrome. Last evaluated: 2022-06-14. Review status: criteria provided, single submitter. Criteria: ACMG Guidelines, 2015. Collection method: clinical testing. Allele origin: germline.

Genome Diagnostics Laboratory, The Hospital for Sick Children
Classification: Likely benign for Osteogenesis imperfecta. Last evaluated: 2021-10-13. Review status: criteria provided, single submitter. Criteria: ACMG Guidelines, 2015. Collection method: clinical testing. Allele origin: germline.

GeneDx
Classification: Likely benign. Last evaluated: 2020-12-30. Review status: criteria provided, single submitter. Criteria: GeneDx Variant Classification Process June 2021. Collection method: clinical testing. Allele origin: germline. Affected: yes.
Comment: This variant is associated with the following publications: (PMID: 21884818)

Ambry Genetics
Classification: Benign for Cardiovascular phenotype. Last evaluated: 2020-07-21. Review status: criteria provided, single submitter. Criteria: Ambry Variant Classification Scheme 2023. Collection method: clinical testing. Allele origin: germline.

Illumina Laboratory Services, Illumina
Classification: Likely benign for Osteogenesis imperfecta. Last evaluated: 2017-04-27. Review status: criteria provided, single submitter. Criteria: ICSL Variant Classification Criteria 13 December 2019. Collection method: clinical testing. Allele origin: germline.
Comment: This variant was observed as part of a predisposition screen in an ostensibly healthy population. A literature search was performed for the gene, cDNA change, and amino acid change (where applicable). Publications were found based on this search. The evidence from the literature, in combination with allele frequency data from public databases where available, was sufficient to determine this variant is unlikely to cause disease. Therefore, this variant is classified as likely benign.

Illumina Laboratory Services, Illumina
Classification: Uncertain significance for Ehlers-Danlos syndrome, arthrochalasia type. Last evaluated: 2017-04-27. Review status: criteria provided, single submitter. Criteria: ICSL Variant Classification Criteria 13 December 2019. Collection method: clinical testing. Allele origin: germline.

Illumina Laboratory Services, Illumina
Classification: Uncertain significance for Infantile cortical hyperostosis. Last evaluated: 2017-04-27. Review status: criteria provided, single submitter. Criteria: ICSL Variant Classification Criteria 13 December 2019. Collection method: clinical testing. Allele origin: germline.

Eurofins Ntd Llc (ga)
Classification: Benign. Last evaluated: 2015-06-11. Review status: criteria provided, single submitter. Criteria: EGL Classification Definitions 2015. Collection method: clinical testing. Allele origin: germline. Observed: 2 variant alleles, 1 heterozygote, 1 homozygote.

PreventionGenetics, part of Exact Sciences
Classification: Likely benign for COL1A1-related condition. Last evaluated: 2019-05-07. Review status: no assertion criteria provided. Collection method: clinical testing. Allele origin: germline. Not counted in ClinVar's aggregate classification.
Comment: This variant is classified as likely benign based on ACMG/AMP sequence variant interpretation guidelines (Richards et al. 2015 PMID: 25741868, with internal and published modifications).

Literature cited by the submitters: PubMed 21884818 (cited by Illumina Laboratory Services, Illumina and Eurofins Ntd Llc (ga)).

NM_000088.4(COL1A1):c.1005T>A (p.Gly335=)

Gene: COL1A1 (collagen type I alpha 1 chain; minus strand). Cytogenetic location: 17q21.33.
Variant type: single nucleotide variant.
Coding change: c.1005T>A on transcript NM_000088.4 (MANE Select); coding-DNA position 1005, T replaced by A.
Protein change: p.Gly335=; no amino-acid change (glycine 335 retained).
Molecular consequence: synonymous variant.
Genome position (GRCh38, 1-based): chr17:50,195,974, A>T on the plus strand (T>A on the coding strand, the complement: COL1A1 is on the minus strand). VCF-style: chr17-50195974-A-T. GRCh37 (hg19) VCF-style: chr17-48273335-A-T.
Other names: p.Gly335=.
Identifiers: ClinVar variation 281322 (VCV000281322.61), dbSNP rs375914028, ClinGen allele CA8645432.